The following is an entry in ClinVar:

ClinVar aggregate classification (germline): Uncertain significance (1 of 4 stars; one submission).

Conditions:
Developmental and epileptic encephalopathy 94 (DEE94). Also called: Epileptic encephalopathy, childhood-onset; CHD2-Related Neurodevelopmental Disorders. Identifiers: Orphanet 1942, Orphanet 2382, MedGen C3809278, MONDO:0014150, OMIM 615369.

Allele frequency attached by ClinVar (database versions not stated): gnomAD 0.00001; TOPMed 0.00001; ExAC 0.00002; gnomAD exomes 0.00002; ESP Exome Variant Server 0.00008.
gnomAD v4.1: 13 of 1,613,992 alleles (0.00081%); highest among the groups gnomAD compares: Non-Finnish European, 0.0011%; no homozygotes.

Submission:

Labcorp Genetics (formerly Invitae), Labcorp
Classification: Uncertain significance for Developmental and epileptic encephalopathy 94. Last evaluated: 2023-09-20. Review status: criteria provided, single submitter. Criteria: Invitae Variant Classification Sherloc (09022015). Collection method: clinical testing. Allele origin: germline.
Comment: This variant has not been reported in the literature in individuals affected with CHD2-related conditions. This variant is present in population databases (rs368498690, gnomAD 0.004%). This sequence change replaces glycine, which is neutral and non-polar, with glutamic acid, which is acidic and polar, at codon 200 of the CHD2 protein (p.Gly200Glu). ClinVar contains an entry for this variant (Variation ID: 933418). In summary, the available evidence is currently insufficient to determine the role of this variant in disease. Therefore, it has been classified as a Variant of Uncertain Significance. Advanced modeling of protein sequence and biophysical properties (such as structural, functional, and spatial information, amino acid conservation, physicochemical variation, residue mobility, and thermodynamic stability) performed at Invitae indicates that this missense variant is not expected to disrupt CHD2 protein function.

NM_001271.4(CHD2):c.599G>A (p.Gly200Glu)

Gene: CHD2 (chromodomain helicase DNA binding protein 2; plus strand). Cytogenetic location: 15q26.1.
Variant type: single nucleotide variant.
Coding change: c.599G>A on transcript NM_001271.4 (MANE Select); coding-DNA position 599, G replaced by A.
Protein change: p.Gly200Glu; replaces glycine 200 with glutamic acid.
Molecular consequence: missense variant.
Genome position (GRCh38, 1-based): chr15:92,939,625, G>A. VCF-style: chr15-92939625-G-A. GRCh37 (hg19) VCF-style: chr15-93482855-G-A.
Other names: c.599G>A, p.Gly200Glu (NM_001042572.3); short protein forms G200E.
Identifiers: ClinVar variation 933418 (VCV000933418.10), dbSNP rs368498690, ClinGen allele CA7747580.